The following is an entry in ClinVar:

ClinVar aggregate classification (germline): Uncertain significance (1 of 4 stars; one submission).

Submission:

Labcorp Genetics (formerly Invitae), Labcorp
Classification: Uncertain significance. Last evaluated: 2022-08-08. Review status: criteria provided, single submitter. Criteria: Invitae Variant Classification Sherloc (09022015). Collection method: clinical testing. Allele origin: germline.
Comment: In summary, the available evidence is currently insufficient to determine the role of this variant in disease. Therefore, it has been classified as a Variant of Uncertain Significance. Algorithms developed to predict the effect of missense changes on protein structure and function (SIFT, PolyPhen-2, Align-GVGD) all suggest that this variant is likely to be tolerated. This variant has not been reported in the literature in individuals affected with TBX19-related conditions. This variant is not present in population databases (gnomAD no frequency). This sequence change replaces histidine, which is basic and polar, with tyrosine, which is neutral and polar, at codon 374 of the TBX19 protein (p.His374Tyr).

NM_005149.3(TBX19):c.1120C>T (p.His374Tyr)

Gene: TBX19 (T-box transcription factor 19; plus strand). Cytogenetic location: 1q24.2.
Variant type: single nucleotide variant.
Coding change: c.1120C>T on transcript NM_005149.3 (MANE Select); coding-DNA position 1120, C replaced by T.
Protein change: p.His374Tyr; replaces histidine 374 with tyrosine.
Molecular consequence: missense variant.
Genome position (GRCh38, 1-based): chr1:168,312,775, C>T. VCF-style: chr1-168312775-C-T. GRCh37 (hg19) VCF-style: chr1-168282013-C-T.
Other names: short protein forms H374Y.
Identifiers: ClinVar variation 2022542 (VCV002022542.4), dbSNP rs1401495934, ClinGen allele CA343196092.